The following is an entry in ClinVar:

NM_012309.5(SHANK2):c.1517A>G (p.Asn506Ser)

Gene: SHANK2 (SH3 and multiple ankyrin repeat domains 2; minus strand). Cytogenetic location: 11q13.4.
Variant type: single nucleotide variant.
Coding change: c.1517A>G on transcript NM_012309.5 (MANE Select); coding-DNA position 1517, A replaced by G.
Protein change: p.Asn506Ser; replaces asparagine 506 with serine.
Molecular consequence: missense variant.
Genome position (GRCh38, 1-based): chr11:70,807,148, T>C on the plus strand (A>G on the coding strand, the complement: SHANK2 is on the minus strand). VCF-style: chr11-70807148-T-C. GRCh37 (hg19) VCF-style: chr11-70653253-T-C.
Other names: c.380A>G, p.Asn127Ser (NM_001379226.1); short protein forms N127S, N506S.
Identifiers: ClinVar variation 2642091 (VCV002642091.24), dbSNP rs1555052136, ClinGen allele CA381958430.
Genomic context (GRCh38, chr11:70,807,148, plus strand): 5'-ACGGCACTGTAGAGCTTCCGCTTGGGCCCCGGGTACTCGAAGGCCGAGAGTGAGTCCTTG[T>C]TGGCACCAAGAGCAAAAGGCGACCTGGACCAGGTGAGAGGGGCAGAGAGAGAGAGAGCAG-3'
Protein context (NP_036441.2, residues 496-516): HVGSPFALGA[Asn506Ser]KDSLSAFEYP

ClinVar aggregate classification (germline): Uncertain significance (1 of 4 stars; one submission).

Allele frequency attached by ClinVar (database versions not stated): gnomAD exomes 0.00001.
gnomAD v4.1: 3 of 717,770 alleles (0.00042%); highest among the groups gnomAD compares: Non-Finnish European, 0.00078%; no homozygotes.

Submission:

CeGaT Center for Human Genetics Tuebingen
Classification: Uncertain significance. Last evaluated: 2022-04-01. Review status: criteria provided, single submitter. Criteria: CeGaT Center For Human Genetics Tuebingen Variant Classification Criteria Version 2. Collection method: clinical testing. Allele origin: germline. Affected: yes. Observed: 2 variant alleles.
Comment: SHANK2: PM2, BP4